The following is an entry in ClinVar:

ClinVar aggregate classification (germline): Likely benign. Review status: criteria provided, multiple submitters, no conflicts (2 of 4 stars). 2 submissions from 2 submitters: Likely benign (2). Last evaluated 2025-04-23.

Conditions:
Malignant hyperthermia, susceptibility to, 1 (MHS1). Also called: Anesthesia related hyperthermia; Malignant hyperpyrexia; Fulminating hyperpyrexia; Pharmacogenic myopathy; Malignant hyperthermia suceptibility 1; RYR1-Related Malignant Hyperthermia Susceptibility. Identifiers: Orphanet 423, MedGen C2930980, MONDO:0007783, OMIM 145600.

gnomAD v4.1: 2 of 1,613,938 alleles (0.00012%); highest among the groups gnomAD compares: African/African-American, 0.0027%; no homozygotes.

Submissions (2):

Women's Health and Genetics/Laboratory Corporation of America, LabCorp
Classification: Likely benign. Last evaluated: 2025-04-23. Review status: criteria provided, single submitter. Criteria: LabCorp Variant Classification Summary - May 2015. Collection method: clinical testing. Allele origin: germline.
Comment: Variant summary: RYR1 c.6128-11A>G alters a nucleotide located at a position not widely known to affect splicing. Consensus agreement among computation tools predict no significant impact on normal splicing. However, these predictions have yet to be confirmed by functional studies. The variant allele was found at a frequency of 4e-06 in 251366 control chromosomes. The available data on variant occurrences in the general population are insufficient to allow any conclusion about variant significance. To our knowledge, no occurrence of c.6128-11A>G in individuals affected with Congenital multicore myopathy with external ophthalmoplegia and no experimental evidence demonstrating its impact on protein function have been reported. ClinVar contains an entry for this variant (Variation ID: 3385413). Based on the evidence outlined above, the variant was classified as likely benign.

All of Us Research Program, National Institutes of Health
Classification: Likely benign for Malignant hyperthermia, susceptibility to, 1. Last evaluated: 2024-07-20. Review status: criteria provided, single submitter. Criteria: ACMG Guidelines, 2015. Collection method: clinical testing. Allele origin: germline. Inheritance: Autosomal dominant inheritance. Observed: 1 variant allele, 1 heterozygote.
Comment: This study involves interpretation of variants in research participants for the purpose of population health screening. Participant phenotype was not available at the time of variant classification. Additional details can be found in publication PMID: 35346344, PMCID: PMC8962531

NM_000540.3(RYR1):c.6128-11A>G

Gene: RYR1 (ryanodine receptor 1; plus strand). Cytogenetic location: 19q13.2.
Variant type: single nucleotide variant.
Coding change: c.6128-11A>G on transcript NM_000540.3 (MANE Select); 11 bases into the intron before coding-DNA position 6128, A replaced by G.
Molecular consequence: intron variant.
Genome position (GRCh38, 1-based): chr19:38,492,479, A>G. VCF-style: chr19-38492479-A-G. GRCh37 (hg19) VCF-style: chr19-38983119-A-G.
Other names: c.6128-11A>G (NM_001042723.2).
Identifiers: ClinVar variation 3385413 (VCV003385413.3).